The following is an entry in ClinVar:

NM_001038603.3(MARVELD2):c.719del (p.Gly240fs)

Gene: MARVELD2 (MARVEL domain containing 2; plus strand). Cytogenetic location: 5q13.2.
Variant type: Deletion.
Coding change: c.719del on transcript NM_001038603.3 (MANE Select); coding-DNA position 719, one base deleted (G; older notation c.719delG).
Protein change: p.Gly240fs; shifts the reading frame from glycine 240.
Molecular consequence: frameshift variant.
Genome position (GRCh38, 1-based): chr5:69,420,104, G deleted; the last of 3 consecutive G bases (chr5:69,420,102-69,420,104); deleting any one gives the same sequence. VCF-style (leftmost placement, unchanged base first): chr5-69420101-TG-T. GRCh37 (hg19) VCF-style: chr5-68715928-TG-T.
Other names: c.719del, p.Gly240fs (NM_001244734.2); short protein forms G240fs.
Identifiers: ClinVar variation 3601237 (VCV003601237.1).
Genomic context (GRCh38, chr5:69,420,101, plus strand): 5'-GTGAGTGGTACAACTTGTTTGGATATTCACAACCGTATGGCATGGGAGGCGTTGGTGGAT[TG>T]GGCAGTATGTATGGGGGCTATTACTACACTGGCCCTAAGACCCCTTTTGTACTCGTGGTT-3'

ClinVar aggregate classification (germline): Likely pathogenic (1 of 4 stars; one submission).

Conditions:
Autosomal recessive nonsyndromic hearing loss 49. Also called: Deafness, neurosensory, autosomal recessive 49. Identifiers: Orphanet 90636, MedGen C1857811, MONDO:0012420, OMIM 610153.

Submission:

Institute of Rare Diseases, West China Hospital, Sichuan University
Classification: Likely pathogenic for Autosomal recessive nonsyndromic hearing loss 49. Last evaluated: 2025-01-09. Review status: criteria provided, single submitter. Criteria: ClinGen HL ACMG Specifications v1. Collection method: research. Allele origin: germline. Affected: yes.
Comment: PVS1;PM2_Supporting